The following is an entry in ClinVar:

NM_000426.4(LAMA2):c.7898+228C>A

Gene: LAMA2 (laminin subunit alpha 2; plus strand). Cytogenetic location: 6q22.33.
Variant type: single nucleotide variant.
Coding change: c.7898+228C>A on transcript NM_000426.4 (MANE Select); 228 bases into the intron after coding-DNA position 7898, C replaced by A.
Molecular consequence: intron variant.
Genome position (GRCh38, 1-based): chr6:129,486,850, C>A. VCF-style: chr6-129486850-C-A. GRCh37 (hg19) VCF-style: chr6-129807995-C-A.
Other names: c.7886+228C>A (NM_001079823.2).
Identifiers: ClinVar variation 682950 (VCV000682950.1), dbSNP rs9402137, ClinGen allele CA12208001.

ClinVar aggregate classification (germline): Benign (1 of 4 stars; one submission).

Allele frequency attached by ClinVar (database versions not stated): 1000 Genomes Project 30x 0.57979; 1000 Genomes Project 0.58327; TOPMed 0.62525; gnomAD 0.62928 and 0.63009.
gnomAD v4.1: 95,987 of 151,956 alleles (63%); highest among the groups gnomAD compares: Non-Finnish European, 72%; 31,328 homozygotes.

Submission:

GeneDx
Classification: Benign. Last evaluated: 2018-06-14. Review status: criteria provided, single submitter. Criteria: GeneDx Variant Classification (06012015). Collection method: clinical testing. Allele origin: germline. Affected: yes.
Comment: This variant is considered likely benign or benign based on one or more of the following criteria: it is a conservative change, it occurs at a poorly conserved position in the protein, it is predicted to be benign by multiple in silico algorithms, and/or has population frequency not consistent with disease.